The following is an entry in ClinVar:

NM_000501.4(ELN):c.1452_1453insA (p.Val485fs)

Genes: ELN-AS1 (ELN antisense RNA 1; minus strand), ELN (elastin; plus strand). Cytogenetic location: 7q11.23.
Variant type: Insertion.
Coding change: c.1452_1453insA on transcript NM_000501.4 (MANE Select); coding-DNA positions 1452 to 1453, A inserted.
Protein change: p.Val485fs; shifts the reading frame from valine 485.
Molecular consequence: frameshift variant.
Genome position: GRCh38 VCF-style: chr7-74059923-C-CA. GRCh37 (hg19) VCF-style: chr7-73474253-C-CA.
Other names: c.1365_1366insA, p.Val456fs (NM_001081752.3); c.1410_1411insA, p.Val471fs (NM_001081753.3); c.1467_1468insA, p.Val490fs (NM_001081754.3); c.1395_1396insA, p.Val466fs (NM_001081755.3); c.1452_1453insA, p.Val485fs (NM_001278912.2); c.1209_1210insA, p.Val404fs (NM_001278913.2); c.1380_1381insA, p.Val461fs (NM_001278914.2); c.1470_1471insA, p.Val491fs (NM_001278915.2); and 4 more; short protein forms V396fs, V404fs, V452fs, V456fs, V461fs, V466fs, V471fs, V475fs.
Identifiers: ClinVar variation 1076093 (VCV001076093.7), dbSNP rs2132288547, ClinGen allele CA2499219009.

ClinVar aggregate classification (germline): Pathogenic (1 of 4 stars; one submission).

Conditions:
Supravalvar aortic stenosis (SVAS). Also called: Supravalvar aortic stenosis, Eisenberg type. Identifiers: Orphanet 3193, MedGen C0003499, MONDO:0008504, OMIM 185500, HP:0004381.

Submission:

Labcorp Genetics (formerly Invitae), Labcorp
Classification: Pathogenic for Supravalvar aortic stenosis. Last evaluated: 2020-04-23. Review status: criteria provided, single submitter. Criteria: Invitae Variant Classification Sherloc (09022015). Collection method: clinical testing. Allele origin: germline.
Comment: For these reasons, this variant has been classified as Pathogenic. Loss-of-function variants in ELN are known to be pathogenic (PMID: 11175284). This variant has not been reported in the literature in individuals with ELN-related conditions. This variant is not present in population databases (ExAC no frequency). This sequence change creates a premature translational stop signal (p.Val514Serfs*102) in the ELN gene. It is expected to result in an absent or disrupted protein product.

Literature cited by the submitters: PubMed 11175284.